The following is an entry in ClinVar:

ClinVar aggregate classification (germline): Uncertain significance. Review status: criteria provided, multiple submitters, no conflicts (2 of 4 stars). 2 submissions from 2 submitters: Uncertain significance (2). Last evaluated 2024-03-05.

Conditions:
Wiskott-Aldrich syndrome 2 (WAS2). Also called: WIPF1 DEFICIENCY. Identifiers: Orphanet 906, MedGen C3281001, MONDO:0013779, OMIM 614493.

Allele frequency attached by ClinVar (database versions not stated): gnomAD exomes 0.00001; ExAC 0.00002; TOPMed 0.00005; gnomAD 0.00008.
gnomAD v4.1: 31 of 1,612,790 alleles (0.0019%); highest among the groups gnomAD compares: African/African-American, 0.028%; no homozygotes.

Submissions (2):

Blueprint Genetics
Classification: Uncertain significance. Last evaluated: 2024-03-05. Review status: criteria provided, single submitter. Criteria: ACMG Guidelines, 2015. Collection method: clinical testing. Allele origin: germline.

Labcorp Genetics (formerly Invitae), Labcorp
Classification: Uncertain significance for Wiskott-Aldrich syndrome 2. Last evaluated: 2022-07-04. Review status: criteria provided, single submitter. Criteria: Invitae Variant Classification Sherloc (09022015). Collection method: clinical testing. Allele origin: germline.
Comment: This sequence change replaces proline, which is neutral and non-polar, with leucine, which is neutral and non-polar, at codon 109 of the WIPF1 protein (p.Pro109Leu). This variant is present in population databases (rs769975973, gnomAD 0.03%). This variant has not been reported in the literature in individuals affected with WIPF1-related conditions. Algorithms developed to predict the effect of missense changes on protein structure and function are either unavailable or do not agree on the potential impact of this missense change (SIFT: "Not Available"; PolyPhen-2: "Probably Damaging"; Align-GVGD: "Not Available"). In summary, the available evidence is currently insufficient to determine the role of this variant in disease. Therefore, it has been classified as a Variant of Uncertain Significance.

NM_001375834.1(WIPF1):c.326C>T (p.Pro109Leu)

Genes: WIPF1 (WAS/WASL interacting protein family member 1; minus strand), WIPF1-AS1 (WIPF1 and CHRNA1 antisense RNA 1; plus strand). Cytogenetic location: 2q31.1.
Variant type: single nucleotide variant.
Coding change: c.326C>T on transcript NM_001375834.1 (MANE Select); coding-DNA position 326, C replaced by T.
Protein change: p.Pro109Leu; replaces proline 109 with leucine.
Molecular consequence: missense variant. On other transcripts: intron variant (1).
Genome position (GRCh38, 1-based): chr2:174,575,236, G>A on the plus strand (C>T on the coding strand, the complement: WIPF1 is on the minus strand). VCF-style: chr2-174575236-G-A. GRCh37 (hg19) VCF-style: chr2-175439964-G-A.
Other names: c.326C>T, p.Pro109Leu (NM_001077269.1, NM_001375832.1, NM_001375833.1 and 5 more transcripts); c.182-2991C>T (NM_001375839.1); short protein forms P109L.
Identifiers: ClinVar variation 2057415 (VCV002057415.2), dbSNP rs769975973, ClinGen allele CA1974169.
Genomic context (GRCh38, chr2:174,575,236, plus strand): 5'-CACTCAGAGACAGGGAAACTCTCCTTACCATTATCCCTGTTGGCCGTGGATCTCAGCTTC[G>A]GCATTCCAGCCTGGAACAATCCTCCCAGACCTGGAGGTCCGCCCCCTCCAAAACTTCCAC-3'
Protein context (NP_001362763.1, residues 99-119): GLGGLFQAGM[Pro109Leu]KLRSTANRDN